The following is an entry in ClinVar:

ClinVar aggregate classification (germline): Uncertain significance (1 of 4 stars; one submission).

Conditions:
Inborn genetic diseases. Identifiers: MedGen C0950123, MeSH D030342.

Submission:

Ambry Genetics
Classification: Uncertain significance for Inborn genetic diseases. Last evaluated: 2026-03-19. Review status: criteria provided, single submitter. Criteria: Ambry Variant Classification Scheme 2023. Collection method: clinical testing. Allele origin: germline.
Comment: The p.A45V variant (also known as c.134C>T), located in coding exon 2 of the PAX5 gene, results from a C to T substitution at nucleotide position 134. The alanine at codon 45 is replaced by valine, an amino acid with similar properties. This amino acid position is conserved. In addition, this alteration is predicted to be deleterious by in silico analysis. Based on the available evidence, the clinical significance of this variant remains unclear.

NM_016734.3(PAX5):c.134C>T (p.Ala45Val)

Gene: PAX5 (paired box 5; minus strand). Cytogenetic location: 9p13.2.
Variant type: single nucleotide variant.
Coding change: c.134C>T on transcript NM_016734.3 (MANE Select); coding-DNA position 134, C replaced by T.
Protein change: p.Ala45Val; replaces alanine 45 with valine.
Molecular consequence: missense variant. On other transcripts: non-coding transcript variant (2), intron variant (2).
Genome position (GRCh38, 1-based): chr9:37,020,714, G>A on the plus strand (C>T on the coding strand, the complement: PAX5 is on the minus strand). VCF-style: chr9-37020714-G-A. GRCh37 (hg19) VCF-style: chr9-37020711-G-A.
Other names: c.134C>T, p.Ala45Val (NM_001280547.2, NM_001280548.2, NM_001280549.2 and 5 more transcripts); c.-112-5520C>T (NM_001280551.2, NM_001280556.2); short protein forms A45V.
Identifiers: ClinVar variation 4861588 (VCV004861588.1).